The following is an entry in ClinVar:

NM_004168.4(SDHA):c.1579del (p.Arg527fs)

Gene: SDHA (succinate dehydrogenase complex flavoprotein subunit A; plus strand). Cytogenetic location: 5p15.33.
Variant type: Deletion.
Coding change: c.1579del on transcript NM_004168.4 (MANE Select); coding-DNA position 1579, one base deleted (C; older notation c.1579delC).
Protein change: p.Arg527fs; shifts the reading frame from arginine 527.
Molecular consequence: frameshift variant. On other transcripts: intron variant (1).
Genome position (GRCh38, 1-based): chr5:251,019, C deleted; the last of 2 consecutive C bases (chr5:251,018-251,019); deleting either gives the same sequence. VCF-style (leftmost placement, unchanged base first): chr5-251017-TC-T. GRCh37 (hg19) VCF-style: chr5-251132-TC-T.
Other names: c.1435del, p.Arg479fs (NM_001294332.2); c.1552-3374del (NM_001330758.2); short protein forms R527fs, R479fs.
Identifiers: ClinVar variation 653810 (VCV000653810.12), dbSNP rs1579437839, ClinGen allele CA915943273.

ClinVar aggregate classification (germline): Pathogenic/Likely pathogenic. Review status: criteria provided, multiple submitters, no conflicts (2 of 4 stars). 5 submissions from 5 submitters: Pathogenic (4); Likely pathogenic (1). Last evaluated 2025-09-27.

Conditions:
Pheochromocytoma/paraganglioma syndrome 5. Also called: Paragangliomas 5; SDHA-Related Hereditary Paraganglioma-Pheochromocytoma Syndrome. Identifiers: Orphanet 29072, MedGen C3279992, MONDO:0013602, OMIM 614165.
Mitochondrial complex II deficiency, nuclear type 1. Also called: SUCCINATE CoQ REDUCTASE DEFICIENCY. Identifiers: Orphanet 3208, MedGen C5700310, MONDO:0100294, OMIM 252011.
Neurodegeneration with ataxia and late-onset optic atrophy. Identifiers: MedGen C5543254, MONDO:0031006, OMIM 619259.
Dilated cardiomyopathy 1GG (CMD1GG). Identifiers: Orphanet 154, MedGen C3150898, MONDO:0013339, OMIM 613642.
Hereditary cancer-predisposing syndrome. Also called: Tumor predisposition; Neoplastic Syndromes, Hereditary; Hereditary Cancer Syndrome; Hereditary neoplastic syndrome. Identifiers: Orphanet 140162, MedGen C0027672, MeSH D009386, MONDO:0015356.

Submissions (5):

Labcorp Genetics (formerly Invitae), Labcorp
Classification: Pathogenic for Pheochromocytoma/paraganglioma syndrome 5; Mitochondrial complex II deficiency, nuclear type 1. Last evaluated: 2025-09-27. Review status: criteria provided, single submitter. Criteria: Invitae Variant Classification Sherloc (09022015). Collection method: clinical testing. Allele origin: germline.
Comment: This sequence change creates a premature translational stop signal (p.Arg527Valfs*20) in the SDHA gene. It is expected to result in an absent or disrupted protein product. Loss-of-function variants in SDHA are known to be pathogenic (PMID: 22974104, 24781757). This variant is not present in population databases (gnomAD no frequency). This variant has not been reported in the literature in individuals affected with SDHA-related conditions. ClinVar contains an entry for this variant (Variation ID: 653810). For these reasons, this variant has been classified as Pathogenic.

Molecular Pathology, Peter Maccallum Cancer Centre
Classification: Pathogenic for Pheochromocytoma/paraganglioma syndrome 5. Last evaluated: 2025-05-09. Review status: criteria provided, single submitter. Criteria: ACMG Guidelines, 2015. Collection method: clinical testing. Allele origin: germline. Inheritance: Autosomal dominant inheritance.

Ambry Genetics
Classification: Pathogenic for Hereditary cancer-predisposing syndrome. Last evaluated: 2025-04-22. Review status: criteria provided, single submitter. Criteria: Ambry Variant Classification Scheme 2023. Collection method: clinical testing. Allele origin: germline.
Comment: The c.1579delC pathogenic mutation, located in coding exon 12 of the SDHA gene, results from a deletion of one nucleotide at nucleotide position 1579, causing a translational frameshift with a predicted alternate stop codon (p.R527Vfs*20). This variant is considered to be rare based on population cohorts in the Genome Aggregation Database (gnomAD). This alteration is expected to result in loss of function by premature protein truncation or nonsense-mediated mRNA decay. As such, this alteration is interpreted as a disease-causing mutation.

Myriad Genetics, Inc.
Classification: Pathogenic for Pheochromocytoma/paraganglioma syndrome 5. Last evaluated: 2023-03-06. Review status: criteria provided, single submitter. Criteria: Myriad Autosomal Dominant, Autosomal Recessive and X-Linked Classification Criteria (2023). Collection method: clinical testing. Allele origin: unknown.
Comment: This variant is considered pathogenic. This variant creates a frameshift predicted to result in premature protein truncation.

Fulgent Genetics
Classification: Likely pathogenic for Mitochondrial complex II deficiency, nuclear type 1; Dilated cardiomyopathy 1GG; Pheochromocytoma/paraganglioma syndrome 5; Neurodegeneration with ataxia and late-onset optic atrophy. Last evaluated: 2021-08-10. Review status: criteria provided, single submitter. Criteria: ACMG Guidelines, 2015. Collection method: clinical testing. Allele origin: unknown.

Literature cited by the submitters: PubMed 22974104 (cited by Labcorp Genetics (formerly Invitae), Labcorp); PubMed 24781757 (cited by Labcorp Genetics (formerly Invitae), Labcorp).